The following is an entry in ClinVar:

NM_001378454.1(ALMS1):c.7430A>G (p.Asp2477Gly)

Gene: ALMS1 (ALMS1 centrosome and basal body associated protein; plus strand). Cytogenetic location: 2p13.1.
Variant type: single nucleotide variant.
Coding change: c.7430A>G on transcript NM_001378454.1 (MANE Select); coding-DNA position 7430, A replaced by G.
Protein change: p.Asp2477Gly; replaces aspartic acid 2477 with glycine.
Molecular consequence: missense variant.
Genome position (GRCh38, 1-based): chr2:73,453,957, A>G. VCF-style: chr2-73453957-A-G. GRCh37 (hg19) VCF-style: chr2-73681084-A-G.
Other names: c.7433A>G, p.Asp2478Gly (NM_015120.4); short protein forms D2478G, D2477G.
Identifiers: ClinVar variation 2015658 (VCV002015658.3), dbSNP rs2466112681, ClinGen allele CA347292455.
Genomic context (GRCh38, chr2:73,453,957, plus strand): 5'-CAGATAGCAGGGAGGAAGAGGGTGTGTCAGAGAGTGAGGATGGTGGTGGTAGCAGTGTAG[A>G]TTCACTGGCTGCACATGTGAAAAACCTTCTGCAATGTGAATCCTCACTGAATCATGCTAA-3'
Protein context (NP_001365383.1, residues 2467-2487): ESEDGGGSSV[Asp2477Gly]SLAAHVKNLL

ClinVar aggregate classification (germline): Uncertain significance (1 of 4 stars; one submission).

Conditions:
Alstrom syndrome (ALMS). Identifiers: Orphanet 64, MedGen C0268425, MONDO:0008763, OMIM 203800.

Submission:

Labcorp Genetics (formerly Invitae), Labcorp
Classification: Uncertain significance for Alstrom syndrome. Last evaluated: 2022-07-10. Review status: criteria provided, single submitter. Criteria: Invitae Variant Classification Sherloc (09022015). Collection method: clinical testing. Allele origin: germline.
Comment: This sequence change replaces aspartic acid, which is acidic and polar, with glycine, which is neutral and non-polar, at codon 2478 of the ALMS1 protein (p.Asp2478Gly). This variant is not present in population databases (gnomAD no frequency). This variant has not been reported in the literature in individuals affected with ALMS1-related conditions. Experimental studies and prediction algorithms are not available or were not evaluated, and the functional significance of this variant is currently unknown. In summary, the available evidence is currently insufficient to determine the role of this variant in disease. Therefore, it has been classified as a Variant of Uncertain Significance.